The following is an entry in ClinVar:

ClinVar aggregate classification (germline): Uncertain significance (1 of 4 stars; one submission).

Conditions:
Familial thoracic aortic aneurysm and aortic dissection (TAAD). Also called: Thoracic aortic aneurysms and dissections. Identifiers: Orphanet 91387, MedGen C4707243, MONDO:0019625.

Allele frequency attached by ClinVar (database versions not stated): gnomAD exomes below 0.00001.
gnomAD v4.1: 1 of 1,610,778 alleles (0.000062%); highest among the groups gnomAD compares: Non-Finnish European, 0.000085%; no homozygotes.

Submission:

All of Us Research Program, National Institutes of Health
Classification: Uncertain significance for Familial thoracic aortic aneurysm and aortic dissection. Last evaluated: 2023-07-19. Review status: criteria provided, single submitter. Criteria: ACMG Guidelines, 2015. Collection method: clinical testing. Allele origin: germline. Inheritance: Autosomal dominant inheritance. Observed: 1 variant allele, 1 heterozygote.
Comment: This variant changes 1 nucleotide in exon 39 of the MYH11 gene, creating a premature translation stop signal. This variant is expected to result in an absent or non-functional protein product. To our knowledge, this variant has not been reported in individuals affected with MYH11-related disorders in the literature. This variant has not been identified in the general population by the Genome Aggregation Database (gnomAD). Clinical relevance of loss-of-function MYH11 truncation variants in autosomal dominant cardiovascular disorders is not clearly established. The available evidence is insufficient to determine the role of this variant in disease conclusively. Therefore, this variant is classified as a Variant of Uncertain Significance.

This study involves interpretation of variants in research participants for the purpose of population health screening. Participant phenotype was not available at the time of variant classification. Additional details can be found in publication PMID: 35346344, PMCID: PMC8962531

NM_002474.3(MYH11):c.5326G>T (p.Glu1776Ter)

Genes: NDE1 (nudE neurodevelopment protein 1; plus strand), MYH11 (myosin heavy chain 11; minus strand). Cytogenetic location: 16p13.11.
Variant type: single nucleotide variant.
Coding change: c.5326G>T on transcript NM_002474.3 (MANE Select); coding-DNA position 5326, G replaced by T.
Protein change: p.Glu1776Ter; replaces glutamic acid 1776 with a stop codon.
Molecular consequence: nonsense. On other transcripts: intron variant (2).
Genome position (GRCh38, 1-based): chr16:15,717,318, C>A on the plus strand (G>T on the coding strand, the complement: MYH11 is on the minus strand). VCF-style: chr16-15717318-C-A. GRCh37 (hg19) VCF-style: chr16-15811175-C-A.
Other names: c.5347G>T, p.Glu1783Ter (NM_001040113.2, NM_001040114.2); c.5326G>T, p.Glu1776Ter (NM_022844.3); c.948-6873C>A (NM_001143979.2, NM_017668.3); short protein forms E1776*, E1783*.
Identifiers: ClinVar variation 3072480 (VCV003072480.1), dbSNP rs2506084335, ClinGen allele CA394849274.